The following is an entry in ClinVar:

ClinVar aggregate classification (germline): Uncertain significance (1 of 4 stars; one submission).

Conditions:
Hypertrophic cardiomyopathy. Also called: HYPERTROPHIC MYOCARDIOPATHY. Identifiers: Orphanet 217569, MedGen C0007194, MeSH D002312, MONDO:0005045, HP:0001639.

Submission:

Labcorp Genetics (formerly Invitae), Labcorp
Classification: Uncertain significance for Hypertrophic cardiomyopathy. Last evaluated: 2021-11-24. Review status: criteria provided, single submitter. Criteria: Invitae Variant Classification Sherloc (09022015). Collection method: clinical testing. Allele origin: germline.
Comment: This variant is not present in population databases (gnomAD no frequency). This sequence change replaces lysine, which is basic and polar, with glutamic acid, which is acidic and polar, at codon 1421 of the MYOM1 protein (p.Lys1421Glu). This variant has not been reported in the literature in individuals affected with MYOM1-related conditions. In summary, the available evidence is currently insufficient to determine the role of this variant in disease. Therefore, it has been classified as a Variant of Uncertain Significance. Algorithms developed to predict the effect of missense changes on protein structure and function are either unavailable or do not agree on the potential impact of this missense change (SIFT: "Tolerated"; PolyPhen-2: "Possibly Damaging"; Align-GVGD: "Class C0").

NM_003803.4(MYOM1):c.4261A>G (p.Lys1421Glu)

Gene: MYOM1 (myomesin 1; minus strand). Cytogenetic location: 18p11.31.
Variant type: single nucleotide variant.
Coding change: c.4261A>G on transcript NM_003803.4 (MANE Select); coding-DNA position 4261, A replaced by G.
Protein change: p.Lys1421Glu; replaces lysine 1421 with glutamic acid.
Molecular consequence: missense variant.
Genome position (GRCh38, 1-based): chr18:3,085,123, T>C on the plus strand (A>G on the coding strand, the complement: MYOM1 is on the minus strand). VCF-style: chr18-3085123-T-C. GRCh37 (hg19) VCF-style: chr18-3085121-T-C.
Other names: c.3973A>G, p.Lys1325Glu (NM_019856.2); short protein forms K1421E, K1325E.
Identifiers: ClinVar variation 1353342 (VCV001353342.6), dbSNP rs2143688119, ClinGen allele CA401710632.